The following is an entry in ClinVar:

ClinVar aggregate classification (germline): Uncertain significance (1 of 4 stars; one submission).

Conditions:
Fanconi anemia complementation group J. Also called: BRIP1-Related Fanconi Anemia. Identifiers: Orphanet 84, MedGen C1836860, MONDO:0012187, OMIM 609054.
Familial cancer of breast. Also called: hereditary breast carcinoma; BREAST CANCER, FAMILIAL; Hereditary breast cancer. Identifiers: Orphanet 227535, MedGen C0346153, MONDO:0016419, OMIM 114480. Disease mechanism: loss of function.

Submission:

Labcorp Genetics (formerly Invitae), Labcorp
Classification: Uncertain significance for Familial cancer of breast; Fanconi anemia complementation group J. Last evaluated: 2019-01-08. Review status: criteria provided, single submitter. Criteria: Invitae Variant Classification Sherloc (09022015). Collection method: clinical testing. Allele origin: germline.
Comment: In summary, the available evidence is currently insufficient to determine the role of this variant in disease. Therefore, it has been classified as a Variant of Uncertain Significance. Algorithms developed to predict the effect of missense changes on protein structure and function (SIFT, PolyPhen-2, Align-GVGD) all suggest that this variant is likely to be disruptive, but these predictions have not been confirmed by published functional studies and their clinical significance is uncertain. This variant has not been reported in the literature in individuals with BRIP1-related conditions. This variant is not present in population databases (ExAC no frequency). This sequence change replaces glycine with serine at codon 768 of the BRIP1 protein (p.Gly768Ser). The glycine residue is highly conserved and there is a small physicochemical difference between glycine and serine.

NM_032043.3(BRIP1):c.2302G>A (p.Gly768Ser)

Gene: BRIP1 (BRCA1 interacting DNA helicase 1; minus strand). Cytogenetic location: 17q23.2.
Variant type: single nucleotide variant.
Coding change: c.2302G>A on transcript NM_032043.3 (MANE Select); coding-DNA position 2302, G replaced by A.
Protein change: p.Gly768Ser; replaces glycine 768 with serine.
Molecular consequence: missense variant.
Genome position (GRCh38, 1-based): chr17:61,743,090, C>T on the plus strand (G>A on the coding strand, the complement: BRIP1 is on the minus strand). VCF-style: chr17-61743090-C-T. GRCh37 (hg19) VCF-style: chr17-59820451-C-T.
Other names: short protein forms G768S.
Identifiers: ClinVar variation 860666 (VCV000860666.10), dbSNP rs2077008054, ClinGen allele CA400482680.